The following is an entry in ClinVar:

NM_002224.4(ITPR3):c.5907C>G (p.Ile1969Met)

Gene: ITPR3 (inositol 1,4,5-trisphosphate receptor type 3; plus strand). Cytogenetic location: 6p21.31.
Variant type: single nucleotide variant.
Coding change: c.5907C>G on transcript NM_002224.4 (MANE Select); coding-DNA position 5907, C replaced by G.
Protein change: p.Ile1969Met; replaces isoleucine 1969 with methionine.
Molecular consequence: missense variant.
Genome position (GRCh38, 1-based): chr6:33,686,447, C>G. VCF-style: chr6-33686447-C-G. GRCh37 (hg19) VCF-style: chr6-33654224-C-G.
Other names: short protein forms I1969M.
Identifiers: ClinVar variation 3351457 (VCV003351457.1).

ClinVar aggregate classification (germline): Uncertain significance (0 of 4 stars; one submission).

Conditions:
ITPR3-related disorder. Also called: ITPR3-related condition.

Submission:

PreventionGenetics, part of Exact Sciences
Classification: Uncertain significance for ITPR3-related condition. Last evaluated: 2024-06-15. Review status: no assertion criteria provided. Collection method: clinical testing. Allele origin: germline.
Comment: The ITPR3 c.5907C>G variant is predicted to result in the amino acid substitution p.Ile1969Met. To our knowledge, this variant has not been reported in the literature or in gnomAD, indicating this variant is rare. At this time, the clinical significance of this variant is uncertain due to the absence of conclusive functional and genetic evidence.